The following is an entry in ClinVar:

ClinVar aggregate classification (germline): Uncertain significance (1 of 4 stars; one submission).

Conditions:
Muscular dystrophy-dystroglycanopathy (congenital with brain and eye anomalies), type A9. Also called: Muscular dystrophy-dystroglycanopathy (congenital with brain and eye anomalies), type a, 9; WALKER-WARBURG SYNDROME OR MUSCLE-EYE BRAIN DISEASE, DAG1-RELATED. Identifiers: Orphanet 370997, Orphanet 899, MedGen C4225291, MONDO:0014683, OMIM 616538.
Autosomal recessive limb-girdle muscular dystrophy type 2P. Also called: Limb-Girdle Muscular Dystrophy Type 9C; MUSCULAR DYSTROPHY, LIMB-GIRDLE, TYPE 2P; MUSCULAR DYSTROPHY-DYSTROGLYCANOPATHY, LIMB-GIRDLE, DAG1-RELATED. Identifiers: Orphanet 280333, MedGen C4511963, MONDO:0013440, OMIM 613818.

Allele frequency attached by ClinVar (database versions not stated): TOPMed below 0.00001.
gnomAD v4.1: 8 of 1,614,192 alleles (0.0005%); highest among the groups gnomAD compares: Non-Finnish European, 0.00068%; no homozygotes.

Submission:

Labcorp Genetics (formerly Invitae), Labcorp
Classification: Uncertain significance for Autosomal recessive limb-girdle muscular dystrophy type 2P; Muscular dystrophy-dystroglycanopathy (congenital with brain and eye anomalies), type A9. Last evaluated: 2021-11-02. Review status: criteria provided, single submitter. Criteria: Invitae Variant Classification Sherloc (09022015). Collection method: clinical testing. Allele origin: germline.
Comment: In summary, the available evidence is currently insufficient to determine the role of this variant in disease. Therefore, it has been classified as a Variant of Uncertain Significance. Algorithms developed to predict the effect of missense changes on protein structure and function are either unavailable or do not agree on the potential impact of this missense change (SIFT: "Tolerated"; PolyPhen-2: "Probably Damaging"; Align-GVGD: "Class C0"). This variant has not been reported in the literature in individuals affected with DAG1-related conditions. This variant is not present in population databases (gnomAD no frequency). This sequence change replaces arginine, which is basic and polar, with glycine, which is neutral and non-polar, at codon 640 of the DAG1 protein (p.Arg640Gly).

NM_004393.6(DAG1):c.1918C>G (p.Arg640Gly)

Gene: DAG1 (dystroglycan 1; plus strand). Cytogenetic location: 3p21.31.
Variant type: single nucleotide variant.
Coding change: c.1918C>G on transcript NM_004393.6 (MANE Select); coding-DNA position 1918, C replaced by G.
Protein change: p.Arg640Gly; replaces arginine 640 with glycine.
Molecular consequence: missense variant.
Genome position (GRCh38, 1-based): chr3:49,532,429, C>G. VCF-style: chr3-49532429-C-G. GRCh37 (hg19) VCF-style: chr3-49569862-C-G.
Other names: c.1918C>G, p.Arg640Gly (NM_001165928.4, NM_001177634.3, NM_001177635.3 and 9 more transcripts); short protein forms R640G.
Identifiers: ClinVar variation 1360815 (VCV001360815.5), dbSNP rs1404065812, ClinGen allele CA352796427.